The following is an entry in ClinVar:

NM_014239.4(EIF2B2):c.342A>T (p.Thr114=)

Gene: EIF2B2 (eukaryotic translation initiation factor 2B subunit beta; plus strand). Cytogenetic location: 14q24.3.
Variant type: single nucleotide variant.
Coding change: c.342A>T on transcript NM_014239.4 (MANE Select); coding-DNA position 342, A replaced by T.
Protein change: p.Thr114=; no amino-acid change (threonine 114 retained).
Molecular consequence: synonymous variant.
Genome position (GRCh38, 1-based): chr14:75,003,608, A>T. VCF-style: chr14-75003608-A-T. GRCh37 (hg19) VCF-style: chr14-75470311-A-T.
Identifiers: ClinVar variation 798875 (VCV000798875.10), dbSNP rs755232669, ClinGen allele CA7274868.
Genomic context (GRCh38, chr14:75,003,608, plus strand): 5'-TAGACTCCATGGACGCAGCGACGAGAGTGATCAGCAGGAGTCCCTGCACAAACTGTTGAC[A>T]TCCGGAGGCCTAAACGAGGATTTCAGCTTCCATTATGCCCAACTCCAGTCCAACATCATT-3'
Protein context (NP_055054.1, residues 104-124): DQQESLHKLL[Thr114=]SGGLNEDFSF

ClinVar aggregate classification (germline): Likely benign. Review status: criteria provided, multiple submitters, no conflicts (2 of 4 stars). 2 submissions from 2 submitters: Likely benign (2). Last evaluated 2026-06-01.

Allele frequency attached by ClinVar (database versions not stated): ExAC 0.00002; gnomAD exomes 0.00003 and 0.00006; TOPMed 0.00003; gnomAD 0.00006.
gnomAD v4.1: 99 of 1,614,060 alleles (0.0061%); highest among the groups gnomAD compares: Non-Finnish European, 0.0077%; no homozygotes.

Submissions (2):

CeGaT Center for Human Genetics Tuebingen
Classification: Likely benign. Last evaluated: 2026-06-01. Review status: criteria provided, single submitter. Criteria: CeGaT Center For Human Genetics Tuebingen Variant Classification Criteria Version 2. Collection method: clinical testing. Allele origin: germline. Affected: yes. Observed: 1 variant allele.
Comment: EIF2B2: BP4, BP7

Labcorp Genetics (formerly Invitae), Labcorp
Classification: Likely benign. Last evaluated: 2026-01-17. Review status: criteria provided, single submitter. Criteria: Invitae Variant Classification Sherloc (09022015). Collection method: clinical testing. Allele origin: germline.